The following is an entry in ClinVar:

ClinVar aggregate classification (germline): Uncertain significance (1 of 4 stars; one submission).

Submission:

Labcorp Genetics (formerly Invitae), Labcorp
Classification: Uncertain significance. Last evaluated: 2022-06-25. Review status: criteria provided, single submitter. Criteria: Invitae Variant Classification Sherloc (09022015). Collection method: clinical testing. Allele origin: germline.
Comment: This variant has not been reported in the literature in individuals affected with VPS13A-related conditions. This variant, c.5827_5829del, results in the deletion of 1 amino acid(s) of the VPS13A protein (p.Leu1943del), but otherwise preserves the integrity of the reading frame. This variant is not present in population databases (gnomAD no frequency). Experimental studies and prediction algorithms are not available or were not evaluated, and the functional significance of this variant is currently unknown. In summary, the available evidence is currently insufficient to determine the role of this variant in disease. Therefore, it has been classified as a Variant of Uncertain Significance.

NM_033305.3(VPS13A):c.5824CTT[1] (p.Leu1943del)

Gene: VPS13A (vacuolar protein sorting 13 homolog A; plus strand). Cytogenetic location: 9q21.2.
Variant type: Microsatellite.
Coding change: c.5824CTT[1] on transcript NM_033305.3 (MANE Select); one copy of the 3-base unit CTT starting at c.5824; the reference has two copies in a row; one copy, 3 bases deleted.
Protein change: p.Leu1943del; deletes leucine 1943.
Molecular consequence: inframe deletion.
Genome position (GRCh38, 1-based): chr9:77,321,743-77,321,745, CTT deleted; deleting any 3 consecutive bases within chr9:77,321,738-77,321,745 gives the same sequence; the position shown is the placement nearest the transcript's 3' end. VCF-style (leftmost placement, unchanged base first): chr9-77321737-ATTC-A. GRCh37 (hg19) VCF-style: chr9-79936653-ATTC-A.
Other names: c.5707CTT[1], p.Leu1904del (NM_001018037.2); c.5824CTT[1], p.Leu1943del (NM_001018038.3, NM_015186.4); short protein forms L1904del, L1943del.
Identifiers: ClinVar variation 2010491 (VCV002010491.4), dbSNP rs2538010041, ClinGen allele CA2580616215.